The following is an entry in ClinVar:

NM_032608.7(MYO18B):c.529C>A (p.Pro177Thr)

Gene: MYO18B (myosin XVIIIB; plus strand). Cytogenetic location: 22q12.1.
Variant type: single nucleotide variant.
Coding change: c.529C>A on transcript NM_032608.7 (MANE Select); coding-DNA position 529, C replaced by A.
Protein change: p.Pro177Thr; replaces proline 177 with threonine.
Molecular consequence: missense variant.
Genome position (GRCh38, 1-based): chr22:25,768,445, C>A. VCF-style: chr22-25768445-C-A. GRCh37 (hg19) VCF-style: chr22-26164412-C-A.
Other names: c.529C>A, p.Pro177Thr (NM_001318245.2); c.529C>A (NM_032608.6, NM_032608.5); short protein forms P177T.
Identifiers: ClinVar variation 1415242 (VCV001415242.6), dbSNP rs374203426, ClinGen allele CA10159620.
Genomic context (GRCh38, chr22:25,768,445, plus strand): 5'-GTGGCCAAGCTGGACCCGGACTCAGCCAAGCCAGAGAAGACTCATCCCCATGACGCCCCC[C>A]CTTGCAAGACCTCTCCCCCCGCCACAGATACTGGAAAGGAAAAGAAAGGGGAGACCTCTA-3'
Protein context (NP_115997.5, residues 167-187): PEKTHPHDAP[Pro177Thr]CKTSPPATDT

ClinVar aggregate classification (germline): Conflicting classifications of pathogenicity. Review status: criteria provided, conflicting classifications (1 of 4 stars). 4 submissions from 4 submitters: Uncertain significance (1); Likely benign (2). 1 of the submissions does not count toward it. Last evaluated 2025-11-19.

Conditions:
MYO18B-related disorder. Also called: MYO18B-related condition.
Inborn genetic diseases. Identifiers: MedGen C0950123, MeSH D030342.

Allele frequency attached by ClinVar (database versions not stated): ESP Exome Variant Server 0.00008; 1000 Genomes Project 30x 0.00016; 1000 Genomes Project 0.00020.
gnomAD v4.1: 92 of 1,333,732 alleles (0.0069%); highest among the groups gnomAD compares: African/African-American, 0.048%; no homozygotes.

Submissions (4):

Ambry Genetics
Classification: Likely benign for Inborn genetic diseases. Last evaluated: 2025-11-19. Review status: criteria provided, single submitter. Criteria: Ambry Variant Classification Scheme 2023. Collection method: clinical testing. Allele origin: germline.

Blueprint Genetics
Classification: Likely benign. Last evaluated: 2024-09-09. Review status: criteria provided, single submitter. Criteria: ACMG Guidelines, 2015. Collection method: clinical testing. Allele origin: germline.

Labcorp Genetics (formerly Invitae), Labcorp
Classification: Uncertain significance. Last evaluated: 2022-08-23. Review status: criteria provided, single submitter. Criteria: Invitae Variant Classification Sherloc (09022015). Collection method: clinical testing. Allele origin: germline.
Comment: This sequence change replaces proline, which is neutral and non-polar, with threonine, which is neutral and polar, at codon 177 of the MYO18B protein (p.Pro177Thr). This variant is present in population databases (rs374203426, gnomAD 0.05%). This variant has not been reported in the literature in individuals affected with MYO18B-related conditions. ClinVar contains an entry for this variant (Variation ID: 1415242). Algorithms developed to predict the effect of missense changes on protein structure and function output the following: SIFT: "Not Available"; PolyPhen-2: "Benign"; Align-GVGD: "Not Available". The threonine amino acid residue is found in multiple mammalian species, which suggests that this missense change does not adversely affect protein function. In summary, the available evidence is currently insufficient to determine the role of this variant in disease. Therefore, it has been classified as a Variant of Uncertain Significance.

PreventionGenetics, part of Exact Sciences
Classification: Uncertain significance for MYO18B-related condition. Last evaluated: 2024-09-26. Review status: no assertion criteria provided. Collection method: clinical testing. Allele origin: germline. Not counted in ClinVar's aggregate classification.
Comment: The MYO18B c.529C>A variant is predicted to result in the amino acid substitution p.Pro177Thr. To our knowledge, this variant has not been reported in the literature. This variant is reported in 0.060% of alleles in individuals of African descent in gnomAD. Although we suspect that this variant may be benign, the clinical significance of this variant is classified as uncertain at this time due to insufficient functional and genetic evidence.